The following is an entry in ClinVar:

ClinVar aggregate classification (germline): Likely pathogenic. Review status: criteria provided, single submitter (1 of 4 stars). 2 submissions from 2 submitters: Likely pathogenic (1). 1 of the submissions does not count toward it. Last evaluated 2019-05-17.

Conditions:
Intellectual developmental disorder, autosomal recessive 65. Also called: Intellectual disability, autosomal recessive 65; MENTAL RETARDATION, AUTOSOMAL RECESSIVE 65. Identifiers: MedGen C4748219, MONDO:0020850, OMIM 618109.

Submissions (2):

SIB Swiss Institute of Bioinformatics
Classification: Likely pathogenic for Intellectual developmental disorder, autosomal recessive 65. Last evaluated: 2019-05-17. Review status: criteria provided, single submitter. Criteria: ACMG Guidelines, 2015. Collection method: curation. Allele origin: unknown.
Comment: This variant is interpreted as a Likely pathogenic for Mental retardation, autosomal recessive 65. The following ACMG Tag(s) were applied: PM2 => Absent from controls (or at extremely low frequency if recessive) in Exome Sequencing Project, 1000 Genomes Project, or Exome Aggregation Consortium. PVS1-Strong => PVS1 downgraded in strength to Strong.

ClinGen:CA344261140

OMIM
Classification: Pathogenic for INTELLECTUAL DEVELOPMENTAL DISORDER, AUTOSOMAL RECESSIVE 65. Last evaluated: 2022-04-01. Review status: no assertion criteria provided. Collection method: literature only. Allele origin: germline. Not counted in ClinVar's aggregate classification.

Literature cited by the submitters: PubMed 29276005 (cited by SIB Swiss Institute of Bioinformatics and OMIM); PubMed 30409806 (cited by SIB Swiss Institute of Bioinformatics); PubMed 30217758 (cited by SIB Swiss Institute of Bioinformatics).

NM_006618.5(KDM5B):c.4109T>G (p.Leu1370Ter)

Gene: KDM5B (lysine demethylase 5B; minus strand). Cytogenetic location: 1q32.1.
Variant type: single nucleotide variant.
Coding change: c.4109T>G on transcript NM_006618.5 (MANE Select); coding-DNA position 4109, T replaced by G.
Protein change: p.Leu1370Ter; replaces leucine 1370 with a stop codon.
Molecular consequence: nonsense.
Genome position (GRCh38, 1-based): chr1:202,730,976, A>C on the plus strand (T>G on the coding strand, the complement: KDM5B is on the minus strand). VCF-style: chr1-202730976-A-C. GRCh37 (hg19) VCF-style: chr1-202700104-A-C.
Other names: c.4217T>G, p.Leu1406Ter (NM_001314042.2); c.3974T>G, p.Leu1325Ter (NM_001347591.2); c.4094T>G, p.Leu1365Ter (NM_001399817.1); short protein forms L1370*, L1406*, L1325*, L1365*.
Identifiers: ClinVar variation 560600 (VCV000560600.5), dbSNP rs1558478047, ClinGen allele CA344261140.